The following is an entry in ClinVar:

ClinVar aggregate classification (germline): Uncertain significance (1 of 4 stars; one submission).

Conditions:
Cardiovascular phenotype. Identifiers: MedGen CN230736.

Submission:

Ambry Genetics
Classification: Uncertain significance for Cardiovascular phenotype. Last evaluated: 2025-01-17. Review status: criteria provided, single submitter. Criteria: Ambry Variant Classification Scheme 2023. Collection method: clinical testing. Allele origin: germline.
Comment: The p.A877G variant (also known as c.2630C>G), located in coding exon 16 of the CBL gene, results from a C to G substitution at nucleotide position 2630. The alanine at codon 877 is replaced by glycine, an amino acid with similar properties. This amino acid position is conserved. In addition, this alteration is predicted to be deleterious by in silico analysis. Based on the available evidence, the clinical significance of this variant remains unclear.

NM_005188.4(CBL):c.2630C>G (p.Ala877Gly)

Gene: CBL (Cbl proto-oncogene; plus strand). Cytogenetic location: 11q23.3.
Variant type: single nucleotide variant.
Coding change: c.2630C>G on transcript NM_005188.4 (MANE Select); coding-DNA position 2630, C replaced by G.
Protein change: p.Ala877Gly; replaces alanine 877 with glycine.
Molecular consequence: missense variant.
Genome position (GRCh38, 1-based): chr11:119,299,690, C>G. VCF-style: chr11-119299690-C-G. GRCh37 (hg19) VCF-style: chr11-119170400-C-G.
Other names: short protein forms A877G.
Identifiers: ClinVar variation 3827812 (VCV003827812.1).
Genomic context (GRCh38, chr11:119,299,690, plus strand): 5'-TCTCCAGTGAGATCGAGAACCTCATGAGTCAGGGGTACTCCTACCAGGACATCCAGAAAG[C>G]TTTGGTCATTGCCCAGAACAACATCGAGATGGCCAAAAACATCCTCCGGGAATTTGTTTC-3'
Protein context (NP_005179.2, residues 867-887): QGYSYQDIQK[Ala877Gly]LVIAQNNIEM